The following is an entry in ClinVar:

NM_052867.4(NALCN):c.2204G>A (p.Arg735Gln)

Gene: NALCN (sodium leak channel, non-selective; minus strand). Cytogenetic location: 13q33.1.
Variant type: single nucleotide variant.
Coding change: c.2204G>A on transcript NM_052867.4 (MANE Select); coding-DNA position 2204, G replaced by A.
Protein change: p.Arg735Gln; replaces arginine 735 with glutamine.
Molecular consequence: missense variant.
Genome position (GRCh38, 1-based): chr13:101,111,215, C>T on the plus strand (G>A on the coding strand, the complement: NALCN is on the minus strand). VCF-style: chr13-101111215-C-T. GRCh37 (hg19) VCF-style: chr13-101763566-C-T.
Other names: c.2291G>A, p.Arg764Gln (NM_001350748.2); c.2204G>A, p.Arg735Gln (NM_001350749.2); c.2117G>A, p.Arg706Gln (NM_001350750.2, NM_001350751.2); short protein forms R706Q, R735Q, R764Q.
Identifiers: ClinVar variation 1706992 (VCV001706992.5), dbSNP rs145128255, ClinGen allele CA7035790.

ClinVar aggregate classification (germline): Uncertain significance. Review status: criteria provided, multiple submitters, no conflicts (2 of 4 stars). 2 submissions from 2 submitters: Uncertain significance (2). Last evaluated 2025-01-13.

Allele frequency attached by ClinVar (database versions not stated): ExAC 0.00002; gnomAD exomes 0.00004; TOPMed 0.00004; gnomAD 0.00005.
gnomAD v4.1: 67 of 1,589,772 alleles (0.0042%); highest among the groups gnomAD compares: Middle Eastern, 0.066%; no homozygotes.

Submissions (2):

Labcorp Genetics (formerly Invitae), Labcorp
Classification: Uncertain significance. Last evaluated: 2025-01-13. Review status: criteria provided, single submitter. Criteria: Invitae Variant Classification Sherloc (09022015). Collection method: clinical testing. Allele origin: germline.
Comment: This sequence change replaces arginine, which is basic and polar, with glutamine, which is neutral and polar, at codon 735 of the NALCN protein (p.Arg735Gln). This variant is present in population databases (rs145128255, gnomAD 0.01%). This variant has not been reported in the literature in individuals affected with NALCN-related conditions. ClinVar contains an entry for this variant (Variation ID: 1706992). Invitae Evidence Modeling of protein sequence and biophysical properties (such as structural, functional, and spatial information, amino acid conservation, physicochemical variation, residue mobility, and thermodynamic stability) indicates that this missense variant is not expected to disrupt NALCN protein function with a negative predictive value of 80%. In summary, the available evidence is currently insufficient to determine the role of this variant in disease. Therefore, it has been classified as a Variant of Uncertain Significance.

GeneDx
Classification: Uncertain significance. Last evaluated: 2022-03-21. Review status: criteria provided, single submitter. Criteria: GeneDx Variant Classification Process June 2021. Collection method: clinical testing. Allele origin: germline. Affected: yes.
Comment: In silico analysis supports that this missense variant does not alter protein structure/function; Has not been previously published as pathogenic or benign to our knowledge